The following is an entry in ClinVar:

ClinVar aggregate classification (germline): Pathogenic (1 of 4 stars; one submission).

Submission:

Labcorp Genetics (formerly Invitae), Labcorp
Classification: Pathogenic. Last evaluated: 2022-08-21. Review status: criteria provided, single submitter. Criteria: Invitae Variant Classification Sherloc (09022015). Collection method: clinical testing. Allele origin: germline.
Comment: This variant is a gross deletion of the genomic region encompassing exon(s) 1 of the ERCC8 gene, which includes the initiator codon. This deletion extends beyond the assayed region for this gene and therefore may encompass additional genes. It is expected to result in an absent or disrupted protein product. Loss-of-function variants in ERCC8 are known to be pathogenic (PMID: 29572252). A similar copy number variant has been observed in individual(s) with Cockayne syndrome (PMID: 12655141). For these reasons, this variant has been classified as Pathogenic.

Literature cited by the submitters: PubMed 29572252; PubMed 12655141.

NC_000005.9:g.(?_60240749)_(60241219_?)del

Genes: ERCC8 (ERCC excision repair 8, CSA ubiquitin ligase complex subunit; minus strand), NDUFAF2 (NADH:ubiquinone oxidoreductase complex assembly factor 2; plus strand). Cytogenetic location: 5q12.1.
Variant type: Deletion.
Identifiers: ClinVar variation 1076456 (VCV001076456.7).